The following is an entry in ClinVar:

ClinVar aggregate classification (germline): Likely benign (1 of 4 stars; one submission).

Allele frequency attached by ClinVar (database versions not stated): ExAC 0.00081; ESP Exome Variant Server 0.00100; gnomAD 0.00161; TOPMed 0.00183; 1000 Genomes Project 30x 0.00234; 1000 Genomes Project 0.00280.

Submission:

CeGaT Center for Human Genetics Tuebingen
Classification: Likely benign. Last evaluated: 2024-02-01. Review status: criteria provided, single submitter. Criteria: CeGaT Center For Human Genetics Tuebingen Variant Classification Criteria Version 2. Collection method: clinical testing. Allele origin: germline. Affected: yes. Observed: 1 variant allele.
Comment: NOP14: BP4

NM_001291978.2(NOP14):c.1478C>G (p.Thr493Arg)

Genes: NOP14 (NOP14 nucleolar protein; minus strand), NOP14-AS1 (NOP14 antisense RNA 1; plus strand), LOC126806948 (BRD4-independent group 4 enhancer GRCh37_chr4:2948362-2949561; plus strand). Cytogenetic location: 4p16.3.
Variant type: single nucleotide variant.
Coding change: c.1478C>G on transcript NM_001291978.2 (MANE Select); coding-DNA position 1478, C replaced by G.
Protein change: p.Thr493Arg; replaces threonine 493 with arginine.
Molecular consequence: missense variant.
Genome position (GRCh38, 1-based): chr4:2,947,547, G>C on the plus strand (C>G on the coding strand, the complement: NOP14 is on the minus strand). VCF-style: chr4-2947547-G-C. GRCh37 (hg19) VCF-style: chr4-2949274-G-C.
Other names: c.1478C>G, p.Thr493Arg (NM_001291979.2, NM_003703.3); short protein forms T493R.
Identifiers: ClinVar variation 3024912 (VCV003024912.22), dbSNP rs144621452, ClinGen allele CA2821719.
Genomic context (GRCh38, chr4:2,947,547, plus strand): 5'-TTAACCCCACATCCCAGATGACACACCATTTTTACTTACACAACCAACTTATCAATGACT[G>C]TGAGGTCTGGTGGGTCATCTGTAGCCAAATCGCCAACGTATTCCAAAAGAAAGCCAAACA-3'
Protein context (NP_001278907.1, residues 483-503): DLATDDPPDL[Thr493Arg]VIDKLVVHLY